The following is an entry in ClinVar:

ClinVar aggregate classification (germline): Benign. Review status: criteria provided, multiple submitters, no conflicts (2 of 4 stars). 9 submissions from 9 submitters: Benign (7). 2 of the submissions do not count toward it. Last evaluated 2026-02-04.

Conditions:
Microcephalic osteodysplastic primordial dwarfism type II (MOPD2). Also called: MOPD II; OSTEODYSPLASTIC PRIMORDIAL DWARFISM, TYPE II; Microcephalic osteodysplastic primordial dwarfism with tooth abnormalities. Identifiers: Orphanet 2637, MedGen C0432246, MONDO:0008872, OMIM 210720.

Allele frequency attached by ClinVar (database versions not stated): gnomAD exomes 0.62063 and 0.62443; ExAC 0.66531; 1000 Genomes Project 0.66913; gnomAD 0.67054 and 0.67468; 1000 Genomes Project 30x 0.67099; TOPMed 0.67435; ESP Exome Variant Server 0.70557.
gnomAD v4.1: 975,374 of 1,549,178 alleles (63%); highest among the groups gnomAD compares: African/African-American, 80%; 309,622 homozygotes.

Submissions (9):

Labcorp Genetics (formerly Invitae), Labcorp
Classification: Benign. Last evaluated: 2026-02-04. Review status: criteria provided, single submitter. Criteria: Invitae Variant Classification Sherloc (09022015). Collection method: clinical testing. Allele origin: germline.

Blueprint Genetics
Classification: Benign. Last evaluated: 2024-11-28. Review status: criteria provided, single submitter. Criteria: ACMG Guidelines, 2015. Collection method: clinical testing. Allele origin: germline.

Genome-Nilou Lab
Classification: Benign for Microcephalic osteodysplastic primordial dwarfism type II. Last evaluated: 2021-09-05. Review status: criteria provided, single submitter. Criteria: ACMG Guidelines, 2015. Collection method: clinical testing. Allele origin: germline. Affected: no.

Clinical Genetics DNA and cytogenetics Diagnostics Lab, Erasmus MC, Erasmus Medical Center
Classification: Benign for Microcephalic osteodysplastic primordial dwarfism type II. Last evaluated: 2017-05-31. Review status: criteria provided, single submitter. Criteria: ACGS Guidelines, 2013. Collection method: clinical testing. Allele origin: germline. Affected: yes. Study: VKGL Data-share Consensus.

GeneDx
Classification: Benign. Last evaluated: 2015-03-03. Review status: criteria provided, single submitter. Criteria: GeneDx Variant Classification Process June 2021. Collection method: clinical testing. Allele origin: germline. Affected: yes.

Eurofins Ntd Llc (ga)
Classification: Benign. Last evaluated: 2014-11-23. Review status: criteria provided, single submitter. Criteria: EGL Classification Definitions 2015. Collection method: clinical testing. Allele origin: germline. Observed: 3 variant alleles, 3 heterozygotes.

Breakthrough Genomics
Classification: Benign. Review status: criteria provided, single submitter. Criteria: ACMG Guidelines, 2015. Collection method: not provided. Allele origin: germline. Inheritance: Autosomal recessive inheritance. Affected: yes.

Diagnostic Laboratory, Department of Genetics, University Medical Center Groningen
Classification: Benign for Microcephalic osteodysplastic primordial dwarfism type II. Review status: no assertion criteria provided. Collection method: clinical testing. Allele origin: germline. Affected: yes. Study: VKGL Data-share Consensus. Not counted in ClinVar's aggregate classification.

Genetic Services Laboratory, University of Chicago
Classification: Likely benign. Review status: no assertion criteria provided. Collection method: clinical testing. Allele origin: germline. Inheritance: Autosomal recessive inheritance. Not counted in ClinVar's aggregate classification.
Comment: Likely benign based on allele frequency in 1000 Genomes Project or ESP global frequency and its presence in a patient with a rare or unrelated disease phenotype. NOT Sanger confirmed

NM_006031.6(PCNT):c.7914-16C>T

Gene: PCNT (pericentrin; plus strand). Cytogenetic location: 21q22.3.
Variant type: single nucleotide variant.
Coding change: c.7914-16C>T on transcript NM_006031.6 (MANE Select); 16 bases into the intron before coding-DNA position 7914, C replaced by T.
Molecular consequence: intron variant.
Genome position (GRCh38, 1-based): chr21:46,430,491, C>T. VCF-style: chr21-46430491-C-T. GRCh37 (hg19) VCF-style: chr21-47850405-C-T.
Other names: c.7560-16C>T (NM_001315529.2).
Identifiers: ClinVar variation 159668 (VCV000159668.25), dbSNP rs2839257, ClinGen allele CA173113.